The following is an entry in ClinVar:

NM_005334.3(HCFC1):c.4445_4446delinsTT (p.Arg1482Leu)

Genes: HCFC1 (host cell factor C1; minus strand), LOC130068842 (ATAC-STARR-seq lymphoblastoid active region 30044; plus strand). Cytogenetic location: Xq28.
Variant type: Indel.
Coding change: c.4445_4446delinsTT on transcript NM_005334.3 (MANE Select); coding-DNA positions 4445 to 4446, GG replaced by TT.
Protein change: p.Arg1482Leu; replaces arginine 1482 with leucine.
Molecular consequence: missense variant.
Genome position (GRCh38, 1-based): chrX:153,953,658-153,953,659, CC replaced by AA on the plus strand (GG replaced by TT on the coding strand, the reverse complement: HCFC1 is on the minus strand). VCF-style: chrX-153953658-CC-AA. GRCh37 (hg19) VCF-style: chrX-153219109-CC-AA.
Other names: c.4445_4446delinsTT, p.Arg1482Leu (NM_001410705.1); short protein forms R1482L.
Identifiers: ClinVar variation 3340987 (VCV003340987.2).
Genomic context (GRCh38, chrX:153,953,658, plus strand): 5'-GGCTCTTACCGGCACAGAGGGGCCCGGGACCGGTGTGGACTGCGTCACGGTGGTCACAGC[CC>AA]GCGTCAGTGTGGAGGACACGGTTGTCGTGATGGCACTGGAGCTGGTGATGTTCACGCTGT-3'
Protein context (NP_005325.2, residues 1472-1492): ITTTVSSTLT[Arg1482Leu]AVTTVTQSTP

ClinVar aggregate classification (germline): Uncertain significance (1 of 4 stars; one submission).

Submission:

GeneDx
Classification: Uncertain significance. Last evaluated: 2025-01-24. Review status: criteria provided, single submitter. Criteria: GeneDx Variant Classification Process June 2021. Collection method: clinical testing. Allele origin: germline.
Comment: Not observed at significant frequency in large population cohorts (gnomAD); In silico analysis supports a deleterious effect on protein structure/function; Has not been previously published as pathogenic or benign to our knowledge